The following is an entry in ClinVar:

ClinVar aggregate classification (germline): Likely benign. Review status: criteria provided, multiple submitters, no conflicts (2 of 4 stars). 2 submissions from 2 submitters: Likely benign (2). Last evaluated 2026-02-02.

Conditions:
MRTFA-related disorder. Also called: MRTFA-related condition.

Allele frequency attached by ClinVar (database versions not stated): gnomAD 0.00007; TOPMed 0.00018.
gnomAD v4.1: 149 of 1,613,510 alleles (0.0092%); highest among the groups gnomAD compares: Admixed American, 0.24%; no homozygotes.

Submissions (2):

PreventionGenetics, part of Exact Sciences
Classification: Likely benign for MRTFA-related condition. Last evaluated: 2026-02-02. Review status: criteria provided, single submitter. Criteria: ACMG Guidelines, 2015. Collection method: clinical testing. Allele origin: germline.
Comment: This variant is classified as likely benign based on ACMG/AMP sequence variant interpretation guidelines (Richards et al. 2015 PMID: 25741868, with internal and published modifications).

Labcorp Genetics (formerly Invitae), Labcorp
Classification: Likely benign. Last evaluated: 2026-01-12. Review status: criteria provided, single submitter. Criteria: Invitae Variant Classification Sherloc (09022015). Collection method: clinical testing. Allele origin: germline.

NM_020831.6(MRTFA):c.1216C>G (p.Pro406Ala)

Gene: MRTFA (myocardin related transcription factor A; minus strand). Cytogenetic location: 22q13.1.
Variant type: single nucleotide variant.
Coding change: c.1216C>G on transcript NM_020831.6 (MANE Select); coding-DNA position 1216, C replaced by G.
Protein change: p.Pro406Ala; replaces proline 406 with alanine.
Molecular consequence: missense variant.
Genome position (GRCh38, 1-based): chr22:40,420,542, G>C on the plus strand (C>G on the coding strand, the complement: MRTFA is on the minus strand). VCF-style: chr22-40420542-G-C. GRCh37 (hg19) VCF-style: chr22-40816546-G-C.
Other names: c.916C>G (NM_020831.4); c.916C>G, p.Pro306Ala (NM_001282660.2); c.1066C>G, p.Pro356Ala (NM_001282661.3); c.1216C>G, p.Pro406Ala (NM_001282662.3); c.1021C>G, p.Pro341Ala (NM_001318139.2); short protein forms P306A, P341A, P356A, P406A.
Identifiers: ClinVar variation 1683105 (VCV001683105.9), dbSNP rs750387386, ClinGen allele CA10249747.
Genomic context (GRCh38, chr22:40,420,542, plus strand): 5'-AGGGCCCAGGGGCGCCCGAGCTGGAGCTGCTATTGGTAGTGGAGAGGCTGCGTACTGGGG[G>C]GGTCCCGCTGCTTCCCAGGGCCTCGCCTGCTGACCTGGGAAGAAAAGGCAGAAATTAGCC-3'
Protein context (NP_065882.2, residues 396-416): AGEALGSSGT[Pro406Ala]PVRSLSTTNS